The following is an entry in ClinVar:

ClinVar aggregate classification (germline): Uncertain significance (1 of 4 stars; one submission).

Conditions:
Adams-Oliver syndrome 5 (AOS5). Identifiers: Orphanet 974, MedGen C4014970, MONDO:0014459, OMIM 616028.

Submission:

Labcorp Genetics (formerly Invitae), Labcorp
Classification: Uncertain significance for Adams-Oliver syndrome 5. Last evaluated: 2022-01-17. Review status: criteria provided, single submitter. Criteria: Invitae Variant Classification Sherloc (09022015). Collection method: clinical testing. Allele origin: germline.
Comment: In summary, the available evidence is currently insufficient to determine the role of this variant in disease. Therefore, it has been classified as a Variant of Uncertain Significance. Advanced modeling of protein sequence and biophysical properties (such as structural, functional, and spatial information, amino acid conservation, physicochemical variation, residue mobility, and thermodynamic stability) performed at Invitae indicates that this missense variant is not expected to disrupt NOTCH1 protein function. This variant has not been reported in the literature in individuals affected with NOTCH1-related conditions. This variant is not present in population databases (gnomAD no frequency). This sequence change replaces asparagine, which is neutral and polar, with serine, which is neutral and polar, at codon 2039 of the NOTCH1 protein (p.Asn2039Ser).

NM_017617.5(NOTCH1):c.6116A>G (p.Asn2039Ser)

Genes: NOTCH1 (notch receptor 1; minus strand), LOC126860794 (BRD4-independent group 4 enhancer GRCh37_chr9:139392592-139393791; plus strand). Cytogenetic location: 9q34.3.
Variant type: single nucleotide variant.
Coding change: c.6116A>G on transcript NM_017617.5 (MANE Select); coding-DNA position 6116, A replaced by G.
Protein change: p.Asn2039Ser; replaces asparagine 2039 with serine.
Molecular consequence: missense variant.
Genome position (GRCh38, 1-based): chr9:136,498,963, T>C on the plus strand (A>G on the coding strand, the complement: NOTCH1 is on the minus strand). VCF-style: chr9-136498963-T-C. GRCh37 (hg19) VCF-style: chr9-139393415-T-C.
Other names: short protein forms N2039S.
Identifiers: ClinVar variation 2067842 (VCV002067842.4), dbSNP rs2133321785, ClinGen allele CA375634019.